The following is an entry in ClinVar:

ClinVar aggregate classification (germline): Conflicting classifications of pathogenicity. Review status: criteria provided, conflicting classifications (1 of 4 stars). 4 submissions from 4 submitters: Uncertain significance (1); Likely benign (3). Last evaluated 2026-02-03.

Conditions:
COG7 congenital disorder of glycosylation (CDG2E). Also called: CONGENITAL DISORDER OF GLYCOSYLATION, TYPE IIe; CDG IIe. Identifiers: Orphanet 79333, MedGen C2931010, MONDO:0012118, OMIM 608779.
Inborn genetic diseases. Identifiers: MedGen C0950123, MeSH D030342.

Allele frequency attached by ClinVar (database versions not stated): ExAC 0.00055; gnomAD 0.00059 and 0.00060; 1000 Genomes Project 0.00060; gnomAD exomes 0.00066; TOPMed 0.00077; ESP Exome Variant Server 0.00085; 1000 Genomes Project 30x 0.00094.
gnomAD v4.1: 1,068 of 1,613,872 alleles (0.066%); highest among the groups gnomAD compares: Admixed American, 0.13%; no homozygotes.

Submissions (4):

Labcorp Genetics (formerly Invitae), Labcorp
Classification: Likely benign for COG7 congenital disorder of glycosylation. Last evaluated: 2026-02-03. Review status: criteria provided, single submitter. Criteria: Invitae Variant Classification Sherloc (09022015). Collection method: clinical testing. Allele origin: germline.

Ambry Genetics
Classification: Likely benign for Inborn genetic diseases. Last evaluated: 2022-12-02. Review status: criteria provided, single submitter. Criteria: Ambry Variant Classification Scheme 2023. Collection method: clinical testing. Allele origin: germline.

Center for Pediatric Genomic Medicine, Children's Mercy Hospital and Clinics
Classification: Uncertain significance. Last evaluated: 2017-07-06. Review status: criteria provided, single submitter. Criteria: ACMG Guidelines, 2015. Collection method: clinical testing. Allele origin: germline.

Illumina Laboratory Services, Illumina
Classification: Likely benign for COG7 congenital disorder of glycosylation. Last evaluated: 2017-04-28. Review status: criteria provided, single submitter. Criteria: ICSL Variant Classification Criteria 13 December 2019. Collection method: clinical testing. Allele origin: germline.
Comment: This variant was observed as part of a predisposition screen in an ostensibly healthy population. A literature search was performed for the gene, cDNA change, and amino acid change (where applicable). No publications were found based on this search. Allele frequency data from public databases allowed determination this variant is unlikely to cause disease. Therefore, this variant is classified as likely benign.

NM_153603.4(COG7):c.406G>A (p.Ala136Thr)

Gene: COG7 (component of oligomeric golgi complex 7; minus strand). Cytogenetic location: 16p12.2.
Variant type: single nucleotide variant.
Coding change: c.406G>A on transcript NM_153603.4 (MANE Select); coding-DNA position 406, G replaced by A.
Protein change: p.Ala136Thr; replaces alanine 136 with threonine.
Molecular consequence: missense variant.
Genome position (GRCh38, 1-based): chr16:23,445,077, C>T on the plus strand (G>A on the coding strand, the complement: COG7 is on the minus strand). VCF-style: chr16-23445077-C-T. GRCh37 (hg19) VCF-style: chr16-23456398-C-T.
Other names: short protein forms A136T.
Identifiers: ClinVar variation 318486 (VCV000318486.17), dbSNP rs149163316, ClinGen allele CA7961315.